The following is an entry in ClinVar:

ClinVar aggregate classification (germline): Uncertain significance (1 of 4 stars; one submission).

gnomAD v4.1: 4 of 1,613,876 alleles (0.00025%); highest among the groups gnomAD compares: Non-Finnish European, 0.00034%; no homozygotes.

Submission:

CeGaT Center for Human Genetics Tuebingen
Classification: Uncertain significance. Last evaluated: 2024-07-01. Review status: criteria provided, single submitter. Criteria: CeGaT Center For Human Genetics Tuebingen Variant Classification Criteria Version 2. Collection method: clinical testing. Allele origin: germline. Affected: yes. Observed: 1 variant allele.
Comment: SLC12A6: PM2:Supporting, PP3

NM_001365088.1(SLC12A6):c.1800G>T (p.Lys600Asn)

Gene: SLC12A6 (solute carrier family 12 member 6; minus strand). Cytogenetic location: 15q14.
Variant type: single nucleotide variant.
Coding change: c.1800G>T on transcript NM_001365088.1 (MANE Select); coding-DNA position 1800, G replaced by T.
Protein change: p.Lys600Asn; replaces lysine 600 with asparagine.
Molecular consequence: missense variant.
Genome position (GRCh38, 1-based): chr15:34,245,717, C>A on the plus strand (G>T on the coding strand, the complement: SLC12A6 is on the minus strand). VCF-style: chr15-34245717-C-A. GRCh37 (hg19) VCF-style: chr15-34537918-C-A.
Other names: c.1623G>T, p.Lys541Asn (NM_001042494.2, NM_001042495.2); c.1773G>T, p.Lys591Asn (NM_001042496.2); c.1755G>T, p.Lys585Asn (NM_001042497.2); c.1647G>T, p.Lys549Asn (NM_005135.2); c.1800G>T, p.Lys600Asn (NM_133647.2); short protein forms K541N, K549N, K585N, K591N, K600N.
Identifiers: ClinVar variation 3256985 (VCV003256985.17).